The following is an entry in ClinVar:

NM_025114.4(CEP290):c.961G>A (p.Asp321Asn)

Gene: CEP290 (centrosomal protein 290; minus strand). Cytogenetic location: 12q21.32.
Variant type: single nucleotide variant.
Coding change: c.961G>A on transcript NM_025114.4 (MANE Select); coding-DNA position 961, G replaced by A.
Protein change: p.Asp321Asn; replaces aspartic acid 321 with asparagine.
Molecular consequence: missense variant.
Genome position (GRCh38, 1-based): chr12:88,126,420, C>T on the plus strand (G>A on the coding strand, the complement: CEP290 is on the minus strand). VCF-style: chr12-88126420-C-T. GRCh37 (hg19) VCF-style: chr12-88520197-C-T.
Other names: short protein forms D321N.
Identifiers: ClinVar variation 1508896 (VCV001508896.6), dbSNP rs2138024512, ClinGen allele CA385983080.

ClinVar aggregate classification (germline): Uncertain significance (1 of 4 stars; one submission).

Conditions:
Nephronophthisis. Also called: Juvenile Nephronophthisis. Identifiers: Orphanet 655, MedGen C0687120, MONDO:0019005, HP:0000090.
Meckel-Gruber syndrome. Also called: DYSENCEPHALIA SPLANCHNOCYSTICA; GRUBER SYNDROME; Dysencephalia splachnocystica. Identifiers: Orphanet 564, MedGen C0265215, MONDO:0018921.
Joubert syndrome. Also called: CEREBELLOPARENCHYMAL DISORDER IV; JOUBERT-BOLTSHAUSER SYNDROME; Familial aplasia of the vermis. Identifiers: Orphanet 475, MedGen C5979921, MONDO:0018772.

Allele frequency attached by ClinVar (database versions not stated): gnomAD exomes below 0.00001.

Submission:

Labcorp Genetics (formerly Invitae), Labcorp
Classification: Uncertain significance for Joubert syndrome; Meckel-Gruber syndrome; Nephronophthisis. Last evaluated: 2024-02-05. Review status: criteria provided, single submitter. Criteria: Invitae Variant Classification Sherloc (09022015). Collection method: clinical testing. Allele origin: germline.
Comment: This sequence change replaces aspartic acid, which is acidic and polar, with asparagine, which is neutral and polar, at codon 321 of the CEP290 protein (p.Asp321Asn). This variant is not present in population databases (gnomAD no frequency). This variant has not been reported in the literature in individuals affected with CEP290-related conditions. ClinVar contains an entry for this variant (Variation ID: 1508896). Advanced modeling of protein sequence and biophysical properties (such as structural, functional, and spatial information, amino acid conservation, physicochemical variation, residue mobility, and thermodynamic stability) performed at Invitae indicates that this missense variant is expected to disrupt CEP290 protein function with a positive predictive value of 80%. In summary, the available evidence is currently insufficient to determine the role of this variant in disease. Therefore, it has been classified as a Variant of Uncertain Significance.